The following is an entry in ClinVar:

NM_144997.7(FLCN):c.1644G>A (p.Lys548=)

Gene: FLCN (folliculin; minus strand). Cytogenetic location: 17p11.2.
Variant type: single nucleotide variant.
Coding change: c.1644G>A on transcript NM_144997.7 (MANE Select); coding-DNA position 1644, G replaced by A.
Protein change: p.Lys548=; no amino-acid change (lysine 548 retained).
Molecular consequence: synonymous variant.
Genome position (GRCh38, 1-based): chr17:17,213,751, C>T on the plus strand (G>A on the coding strand, the complement: FLCN is on the minus strand). VCF-style: chr17-17213751-C-T. GRCh37 (hg19) VCF-style: chr17-17117065-C-T.
Other names: c.1698G>A, p.Lys566= (NM_001353229.2); c.1644G>A, p.Lys548= (NM_001353230.2, NM_001353231.2).
Identifiers: ClinVar variation 3229236 (VCV003229236.2), dbSNP rs771847652, ClinGen allele CA498163090.

ClinVar aggregate classification (germline): Benign/Likely benign. Review status: criteria provided, multiple submitters, no conflicts (2 of 4 stars). 2 submissions from 2 submitters: Benign (1); Likely benign (1). Last evaluated 2024-10-28.

Conditions:
Birt-Hogg-Dube syndrome 1 (BHD1). Also called: FIBROFOLLICULOMAS WITH TRICHODISCOMAS AND ACROCHORDONS. Identifiers: Orphanet 122, MedGen CN375946, MONDO:0800445, OMIM 135150.
Hereditary cancer-predisposing syndrome. Also called: Neoplastic Syndromes, Hereditary; Tumor predisposition; Hereditary neoplastic syndrome; Hereditary Cancer Syndrome. Identifiers: Orphanet 140162, MedGen C0027672, MeSH D009386, MONDO:0015356.

Submissions (2):

Myriad Genetics, Inc.
Classification: Benign for Birt-Hogg-Dube syndrome 1. Last evaluated: 2024-10-28. Review status: criteria provided, single submitter. Criteria: Myriad Autosomal Dominant, Autosomal Recessive and X-Linked Classification Criteria (2023). Collection method: clinical testing. Allele origin: unknown.
Comment: This variant is considered benign. This variant is a silent/synonymous amino acid change and it is not expected to impact splicing.

Ambry Genetics
Classification: Likely benign for Hereditary cancer-predisposing syndrome. Last evaluated: 2024-02-27. Review status: criteria provided, single submitter. Criteria: Ambry Variant Classification Scheme 2023. Collection method: clinical testing. Allele origin: germline.